The following is an entry in ClinVar:

ClinVar aggregate classification (germline): Uncertain significance (1 of 4 stars; one submission).

gnomAD v4.1: 2 of 1,606,972 alleles (0.00012%); highest among the groups gnomAD compares: Non-Finnish European, 0.00017%; no homozygotes.

Submission:

Ambry Genetics
Classification: Uncertain significance. Last evaluated: 2025-03-02. Review status: criteria provided, single submitter. Criteria: Ambry Variant Classification Scheme 2023. Collection method: clinical testing. Allele origin: germline.
Comment: The p.L120F variant (also known as c.358C>T), located in coding exon 4 of the NEBL gene, results from a C to T substitution at nucleotide position 358. The leucine at codon 120 is replaced by phenylalanine, an amino acid with highly similar properties. This amino acid position is conserved. In addition, the in silico prediction for this alteration is inconclusive. Based on the available evidence, the clinical significance of this variant remains unclear.

NM_006393.3(NEBL):c.358C>T (p.Leu120Phe)

Gene: NEBL (nebulette; minus strand). Cytogenetic location: 10p12.31.
Variant type: single nucleotide variant.
Coding change: c.358C>T on transcript NM_006393.3 (MANE Select); coding-DNA position 358, C replaced by T.
Protein change: p.Leu120Phe; replaces leucine 120 with phenylalanine.
Molecular consequence: missense variant. On other transcripts: intron variant (9).
Genome position (GRCh38, 1-based): chr10:20,888,108, G>A on the plus strand (C>T on the coding strand, the complement: NEBL is on the minus strand). VCF-style: chr10-20888108-G-A. GRCh37 (hg19) VCF-style: chr10-21177037-G-A.
Other names: c.249+73564C>T (NM_001377326.1, NM_001377327.1, NM_001377328.1); c.357+73564C>T (NM_213569.2, NM_001173484.2, NM_001377322.1); c.300+73564C>T (NM_001377324.1); c.291+73564C>T (NM_001377325.1); c.309+73564C>T (NM_001377323.1); short protein forms L120F.
Identifiers: ClinVar variation 3878629 (VCV003878629.1).
Genomic context (GRCh38, chr10:20,888,108, plus strand): 5'-GTTATATGTTTTATCTACAAAATCATGAAACACTTTAGAAAAACCCTACCTCACTCTGGA[G>A]CTGTGTAACTTCTCCTGCAAAAACACTGTCAATTGTGGCTGGCATCCGCTTATAAAGAGA-3'
Protein context (NP_006384.1, residues 110-130): DSVFAGEVTQ[Leu120Phe]QSEVAYKQKH